The following is an entry in ClinVar:

ClinVar aggregate classification (germline): Pathogenic. Review status: criteria provided, single submitter (1 of 4 stars). 2 submissions from 2 submitters: Pathogenic (1). 1 of the submissions does not count toward it. Last evaluated 2016-08-09.

Conditions:
MIRAGE syndrome. Also called: MYELODYSPLASIA, INFECTION, RESTRICTION OF GROWTH, ADRENAL HYPOPLASIA, GENITAL PHENOTYPES, AND ENTEROPATHY. Identifiers: Orphanet 494433, MedGen C4284088, MONDO:0014888, OMIM 617053.
Inborn genetic diseases. Identifiers: MedGen C0950123, MeSH D030342.

Submissions (2):

Ambry Genetics
Classification: Pathogenic for Hereditary disease. Last evaluated: 2016-08-09. Review status: criteria provided, single submitter. Criteria: ambry_reporting_categories_2017. Collection method: clinical testing. Allele origin: germline. Affected: yes. Observed: 1 heterozygote. Segregation with disease observed.
Comment: Lines of evidence used in support of classification: POSITIVE: Relevant Alteration(s) Detected

GeneReviews
No classification provided. Condition: MIRAGE syndrome. Review status: no classification provided. Collection method: literature only. Allele origin: de novo. Not counted in ClinVar's aggregate classification.

Literature cited by the submitters: PubMed 16960814 (cited by Ambry Genetics); PubMed 24029230 (cited by Ambry Genetics); PubMed 18094730 (cited by Ambry Genetics); PubMed 27182967 (cited by Ambry Genetics and GeneReviews); PubMed 29365320 (cited by GeneReviews); PubMed 31638924 (cited by GeneReviews); PubMed 31208161 (cited by GeneReviews); PubMed 33237688 (cited by GeneReviews).

NM_017654.4(SAMD9):c.2920G>A (p.Glu974Lys)

Gene: SAMD9 (sterile alpha motif domain containing 9; minus strand). Cytogenetic location: 7q21.2.
Variant type: single nucleotide variant.
Coding change: c.2920G>A on transcript NM_017654.4 (MANE Select); coding-DNA position 2920, G replaced by A.
Protein change: p.Glu974Lys; replaces glutamic acid 974 with lysine.
Molecular consequence: missense variant.
Genome position (GRCh38, 1-based): chr7:93,103,178, C>T on the plus strand (G>A on the coding strand, the complement: SAMD9 is on the minus strand). VCF-style: chr7-93103178-C-T. GRCh37 (hg19) VCF-style: chr7-92732491-C-T.
Other names: c.2920G>A, p.Glu974Lys (NM_001193307.2); short protein forms E974K.
Identifiers: ClinVar variation 521232 (VCV000521232.5), dbSNP rs1554336981, ClinGen allele CA368189249.